The following is an entry in ClinVar:

ClinVar aggregate classification (germline): Uncertain significance (1 of 4 stars; one submission).

Conditions:
Ehlers-Danlos syndrome, dermatosparaxis type. Also called: Ehlers-Danlos syndrome, type VII, autosomal recessive; Dermatosparaxis; EDS VIIC. Identifiers: Orphanet 1901, MedGen C2700425, MONDO:0009161, OMIM 225410.

Allele frequency attached by ClinVar (database versions not stated): ExAC 0.00001; gnomAD 0.00001; gnomAD exomes 0.00001; TOPMed 0.00002.
gnomAD v4.1: 14 of 1,614,104 alleles (0.00087%); highest among the groups gnomAD compares: African/African-American, 0.0027%; no homozygotes.

Submission:

Labcorp Genetics (formerly Invitae), Labcorp
Classification: Uncertain significance for Ehlers-Danlos syndrome, dermatosparaxis type. Last evaluated: 2022-01-11. Review status: criteria provided, single submitter. Criteria: Invitae Variant Classification Sherloc (09022015). Collection method: clinical testing. Allele origin: germline.
Comment: This sequence change replaces alanine, which is neutral and non-polar, with threonine, which is neutral and polar, at codon 748 of the ADAMTS2 protein (p.Ala748Thr). This variant is present in population databases (rs772592927, gnomAD 0.007%). This variant has not been reported in the literature in individuals affected with ADAMTS2-related conditions. Algorithms developed to predict the effect of missense changes on protein structure and function (SIFT, PolyPhen-2, Align-GVGD) all suggest that this variant is likely to be disruptive. In summary, the available evidence is currently insufficient to determine the role of this variant in disease. Therefore, it has been classified as a Variant of Uncertain Significance.

NM_014244.5(ADAMTS2):c.2242G>A (p.Ala748Thr)

Gene: ADAMTS2 (ADAM metallopeptidase with thrombospondin type 1 motif 2; minus strand). Cytogenetic location: 5q35.3.
Variant type: single nucleotide variant.
Coding change: c.2242G>A on transcript NM_014244.5 (MANE Select); coding-DNA position 2242, G replaced by A.
Protein change: p.Ala748Thr; replaces alanine 748 with threonine.
Molecular consequence: missense variant.
Genome position (GRCh38, 1-based): chr5:179,132,278, C>T on the plus strand (G>A on the coding strand, the complement: ADAMTS2 is on the minus strand). VCF-style: chr5-179132278-C-T. GRCh37 (hg19) VCF-style: chr5-178559279-C-T.
Other names: short protein forms A748T.
Identifiers: ClinVar variation 2082215 (VCV002082215.1), dbSNP rs772592927, ClinGen allele CA3595620.